The following is an entry in ClinVar:

NM_004991.4(MECOM):c.2448G>C (p.Gln816His)

Gene: MECOM (MDS1 and EVI1 complex locus; minus strand). Cytogenetic location: 3q26.2.
Variant type: single nucleotide variant.
Coding change: c.2448G>C on transcript NM_004991.4 (MANE Select); coding-DNA position 2448, G replaced by C.
Protein change: p.Gln816His; replaces glutamine 816 with histidine.
Molecular consequence: missense variant.
Genome position (GRCh38, 1-based): chr3:169,115,424, C>G on the plus strand (G>C on the coding strand, the complement: MECOM is on the minus strand). VCF-style: chr3-169115424-C-G. GRCh37 (hg19) VCF-style: chr3-168833212-C-G.
Other names: c.2079G>C, p.Gln693His (NM_001105077.4); c.1884G>C, p.Gln628His (NM_001105078.4, NM_001164000.2, NM_001205194.2 and 4 more transcripts); c.1887G>C, p.Gln629His (NM_001163999.2, NM_001366467.2, NM_001366468.2 and 1 more transcripts); c.2448G>C, p.Gln816His (NM_001366466.2); c.1476G>C, p.Gln492His (NM_001366473.2); c.912G>C, p.Gln304His (NM_001366474.2); short protein forms Q304H, Q492H, Q628H, Q629H, Q693H, Q816H.
Identifiers: ClinVar variation 4859805 (VCV004859805.1).
Genomic context (GRCh38, chr3:169,115,424, plus strand): 5'-ATCTTCCATACACGCTTACCTGTAAATAGGGTCCATAAAGAAAGGAGTGGGTCTTGCATG[C>G]TGCAAGGAACCATCTGAAGCAGGTCTTGATTCGACGTTGCTTCCTTTTTTTCCCCCAAAC-3'
Protein context (NP_004982.2, residues 806-826): ESRPASDGSL[Gln816His]HARPTPFFMD

ClinVar aggregate classification (germline): Uncertain significance (1 of 4 stars; one submission).

Conditions:
Inborn genetic diseases. Identifiers: MedGen C0950123, MeSH D030342.

Submission:

Ambry Genetics
Classification: Uncertain significance for Inborn genetic diseases. Last evaluated: 2026-05-30. Review status: criteria provided, single submitter. Criteria: Ambry Variant Classification Scheme 2023. Collection method: clinical testing. Allele origin: germline.
Comment: The p.Q816H variant (also known as c.2448G>C), located in coding exon 8 of the MECOM gene, results from a G to C substitution at nucleotide position 2448. The glutamine at codon 816 is replaced by histidine, an amino acid with highly similar properties. This amino acid position is conserved. In addition, the in silico prediction for this alteration is inconclusive. Based on the available evidence, the clinical significance of this variant remains unclear.